The following is an entry in ClinVar:

NM_000081.4(LYST):c.6332C>A (p.Thr2111Asn)

Gene: LYST (lysosomal trafficking regulator; minus strand). Cytogenetic location: 1q42.3.
Variant type: single nucleotide variant.
Coding change: c.6332C>A on transcript NM_000081.4 (MANE Select); coding-DNA position 6332, C replaced by A.
Protein change: p.Thr2111Asn; replaces threonine 2111 with asparagine.
Molecular consequence: missense variant.
Genome position (GRCh38, 1-based): chr1:235,759,521, G>T on the plus strand (C>A on the coding strand, the complement: LYST is on the minus strand). VCF-style: chr1-235759521-G-T. GRCh37 (hg19) VCF-style: chr1-235922821-G-T.
Other names: c.6332C>A (NM_000081.2); c.6332C>A, p.Thr2111Asn (NM_001301365.1); short protein forms T2111N.
Identifiers: ClinVar variation 971150 (VCV000971150.15), dbSNP rs138179493, ClinGen allele CA1466386.

ClinVar aggregate classification (germline): Uncertain significance. Review status: criteria provided, multiple submitters, no conflicts (2 of 4 stars). 5 submissions from 5 submitters: Uncertain significance (5). Last evaluated 2025-12-11.

Conditions:
Inborn genetic diseases. Identifiers: MedGen C0950123, MeSH D030342.
Chédiak-Higashi syndrome (CHS). Also called: Chediak-Higashi Syndrome. Identifiers: Orphanet 167, MedGen C0007965, MONDO:0008963, OMIM 214500.

Allele frequency attached by ClinVar (database versions not stated): ExAC 0.00002; gnomAD exomes 0.00004; gnomAD 0.00007 and 0.00009; TOPMed 0.00007; ESP Exome Variant Server 0.00008.
gnomAD v4.1: 157 of 1,613,806 alleles (0.0097%); highest among the groups gnomAD compares: Non-Finnish European, 0.013%; no homozygotes.

Submissions (5):

Ambry Genetics
Classification: Uncertain significance for Inborn genetic diseases. Last evaluated: 2025-12-11. Review status: criteria provided, single submitter. Criteria: Ambry Variant Classification Scheme 2023. Collection method: clinical testing. Allele origin: germline.

Labcorp Genetics (formerly Invitae), Labcorp
Classification: Uncertain significance for Chédiak-Higashi syndrome. Last evaluated: 2024-11-11. Review status: criteria provided, single submitter. Criteria: Invitae Variant Classification Sherloc (09022015). Collection method: clinical testing. Allele origin: germline.
Comment: This sequence change replaces threonine, which is neutral and polar, with asparagine, which is neutral and polar, at codon 2111 of the LYST protein (p.Thr2111Asn). This variant is present in population databases (rs138179493, gnomAD 0.01%). This variant has not been reported in the literature in individuals affected with LYST-related conditions. ClinVar contains an entry for this variant (Variation ID: 971150). Invitae Evidence Modeling of protein sequence and biophysical properties (such as structural, functional, and spatial information, amino acid conservation, physicochemical variation, residue mobility, and thermodynamic stability) indicates that this missense variant is not expected to disrupt LYST protein function with a negative predictive value of 80%. In summary, the available evidence is currently insufficient to determine the role of this variant in disease. Therefore, it has been classified as a Variant of Uncertain Significance.

Blueprint Genetics
Classification: Uncertain significance. Last evaluated: 2024-10-04. Review status: criteria provided, single submitter. Criteria: ACMG Guidelines, 2015. Collection method: clinical testing. Allele origin: germline.

Mayo Clinic Laboratories, Mayo Clinic
Classification: Uncertain significance. Last evaluated: 2019-10-14. Review status: criteria provided, single submitter. Criteria: ACMG Guidelines, 2015. Collection method: clinical testing. Allele origin: germline. Observed: 1 variant allele.

Revvity Omics, Revvity
Classification: Uncertain significance for Chédiak-Higashi syndrome. Last evaluated: 2019-09-06. Review status: criteria provided, single submitter. Criteria: ACMG Guidelines, 2015. Collection method: clinical testing. Allele origin: germline.